The following is an entry in ClinVar:

ClinVar aggregate classification (germline): Uncertain significance (1 of 4 stars; one submission).

Conditions:
Emery-Dreifuss muscular dystrophy (EDMD). Also called: Scapuloperoneal syndrome, X-linked (formerly); Humeroperoneal neuromuscular disease, (formerly). Identifiers: Orphanet 261, MedGen C0410189, MONDO:0016830.

gnomAD v4.1: 4 of 1,614,082 alleles (0.00025%); highest among the groups gnomAD compares: Admixed American, 0.005%; no homozygotes.

Submission:

Labcorp Genetics (formerly Invitae), Labcorp
Classification: Uncertain significance for Emery-Dreifuss muscular dystrophy. Last evaluated: 2026-01-05. Review status: criteria provided, single submitter. Criteria: Invitae Variant Classification Sherloc (09022015). Collection method: clinical testing. Allele origin: germline.
Comment: This sequence change replaces histidine, which is basic and polar, with tyrosine, which is neutral and polar, at codon 242 of the SUN2 protein (p.His242Tyr). This variant is not present in population databases (gnomAD no frequency). This variant has not been reported in the literature in individuals affected with SUN2-related conditions. An algorithm developed to predict the effect of missense changes on protein structure and function outputs the following: PolyPhen-2: "Benign". The tyrosine amino acid residue is found in multiple mammalian species, which suggests that this missense change does not adversely affect protein function. In summary, the available evidence is currently insufficient to determine the role of this variant in disease. Therefore, it has been classified as a Variant of Uncertain Significance.

NM_015374.3(SUN2):c.724C>T (p.His242Tyr)

Gene: SUN2 (Sad1 and UNC84 domain containing 2; minus strand). Cytogenetic location: 22q13.1.
Variant type: single nucleotide variant.
Coding change: c.724C>T on transcript NM_015374.3 (MANE Select); coding-DNA position 724, C replaced by T.
Protein change: p.His242Tyr; replaces histidine 242 with tyrosine.
Molecular consequence: missense variant. On other transcripts: intron variant (2).
Genome position (GRCh38, 1-based): chr22:38,745,773, G>A on the plus strand (C>T on the coding strand, the complement: SUN2 is on the minus strand). VCF-style: chr22-38745773-G-A. GRCh37 (hg19) VCF-style: chr22-39141778-G-A.
Other names: c.787C>T, p.His263Tyr (NM_001199579.2, NM_001394428.1); c.724C>T, p.His242Tyr (NM_001199580.2, NM_001394431.1, NM_001394432.1 and 6 more transcripts); c.817C>T, p.His273Tyr (NM_001394427.1); c.769C>T, p.His257Tyr (NM_001394429.1, NM_001394430.1); c.634C>T, p.His212Tyr (NM_001394438.1); c.586C>T, p.His196Tyr (NM_001394439.1, NM_001394440.1, NM_001394441.1); c.232C>T, p.His78Tyr (NM_001394443.1); c.614+3993C>T (NM_001394444.1, NM_001394445.1); short protein forms H273Y, H212Y, H242Y, H78Y, H196Y, H257Y, H263Y.
Identifiers: ClinVar variation 4737680 (VCV004737680.1).
Genomic context (GRCh38, chr22:38,745,773, plus strand): 5'-CCCAGCCCTCATCCGGCCTCCTGCTGTCCTTCGCTGCCCACCAGGAAACCAAAGCAGGGT[G>A]GAATGTCTGCAGCCCATAGGGGTAGAAATACCAAGCACCTGTGCACAGGGGAGAGGGTGT-3'
Protein context (NP_056189.1, residues 232-252): YFYPYGLQTF[His242Tyr]PALVSWWAAK